The following is an entry in ClinVar:

NM_005378.6(MYCN):c.915C>T (p.Asn305=)

Gene: MYCN (MYCN proto-oncogene, bHLH transcription factor; plus strand). Cytogenetic location: 2p24.3.
Variant type: single nucleotide variant.
Coding change: c.915C>T on transcript NM_005378.6 (MANE Select); coding-DNA position 915, C replaced by T.
Protein change: p.Asn305=; no amino-acid change (asparagine 305 retained).
Molecular consequence: synonymous variant. On other transcripts: 3 prime UTR variant (1).
Genome position (GRCh38, 1-based): chr2:15,945,617, C>T. VCF-style: chr2-15945617-C-T. GRCh37 (hg19) VCF-style: chr2-16085739-C-T.
Other names: c.915C>T, p.Asn305= (NM_001293228.2); c.282C>T, p.Asn94= (NM_001293231.2); c.*850C>T (NM_001293233.2); c.915C>T (NM_005378.5).
Identifiers: ClinVar variation 2416631 (VCV002416631.9), dbSNP rs755948961, ClinGen allele CA1538274.

ClinVar aggregate classification (germline): Likely benign. Review status: criteria provided, single submitter (1 of 4 stars). 2 submissions from 2 submitters: Likely benign (1). 1 of the submissions does not count toward it. Last evaluated 2025-02-15.

Conditions:
MYCN-related disorder. Also called: MYCN-related condition.

Allele frequency attached by ClinVar (database versions not stated): TOPMed 0.00001; gnomAD 0.00002.
gnomAD v4.1: 32 of 1,614,046 alleles (0.002%); highest among the groups gnomAD compares: South Asian, 0.023%; no homozygotes.

Submissions (2):

Labcorp Genetics (formerly Invitae), Labcorp
Classification: Likely benign. Last evaluated: 2025-02-15. Review status: criteria provided, single submitter. Criteria: Invitae Variant Classification Sherloc (09022015). Collection method: clinical testing. Allele origin: germline.

PreventionGenetics, part of Exact Sciences
Classification: Likely benign for MYCN-related condition. Last evaluated: 2019-11-04. Review status: no assertion criteria provided. Collection method: clinical testing. Allele origin: germline. Not counted in ClinVar's aggregate classification.
Comment: This variant is classified as likely benign based on ACMG/AMP sequence variant interpretation guidelines (Richards et al. 2015 PMID: 25741868, with internal and published modifications).